The following is an entry in ClinVar:

NM_001611.5(ACP5):c.839G>A (p.Arg280His)

Gene: ACP5 (acid phosphatase 5, tartrate resistant; minus strand). Cytogenetic location: 19p13.2.
Variant type: single nucleotide variant.
Coding change: c.839G>A on transcript NM_001611.5 (MANE Select); coding-DNA position 839, G replaced by A.
Protein change: p.Arg280His; replaces arginine 280 with histidine.
Molecular consequence: missense variant.
Genome position (GRCh38, 1-based): chr19:11,575,149, C>T on the plus strand (G>A on the coding strand, the complement: ACP5 is on the minus strand). VCF-style: chr19-11575149-C-T. GRCh37 (hg19) VCF-style: chr19-11685964-C-T.
Other names: c.839G>A, p.Arg280His (NM_001111034.3, NM_001111035.3, NM_001111036.3 and 1 more transcripts); short protein forms R280H.
Identifiers: ClinVar variation 1025415 (VCV001025415.4), dbSNP rs771458690, ClinGen allele CA9215305.
Genomic context (GRCh38, chr19:11,575,149, plus strand): 5'-TTGGAGCTGATCTCCACATAGGCAAAGCCACCCAGTGAGTCTTCAGTCCCATAGTGGAAG[C>T]GCAGATAGCCGTTGGGGACCTTGCGCTGGTGCCGCTTTGAGGGGTCCATGAAATTCCCAG-3'
Protein context (NP_001602.1, residues 270-290): HQRKVPNGYL[Arg280His]FHYGTEDSLG

ClinVar aggregate classification (germline): Uncertain significance (1 of 4 stars; one submission).

Conditions:
Spondyloenchondrodysplasia with immune dysregulation (SPENCDI). Also called: SPONDYLOENCHONDRODYSPLASIA WITH OR WITHOUT IMMUNE DYSREGULATION; ROIFMAN IMMUNOSKELETAL SYNDROME; COMBINED IMMUNODEFICIENCY WITH AUTOIMMUNITY AND SPONDYLOMETAPHYSEAL DYSPLASIA. Identifiers: Orphanet 1855, MedGen C1842763, MONDO:0011939, OMIM 607944.

Allele frequency attached by ClinVar (database versions not stated): ExAC 0.00001; gnomAD 0.00002; TOPMed 0.00002; gnomAD exomes 0.00001.
gnomAD v4.1: 19 of 1,614,086 alleles (0.0012%); highest among the groups gnomAD compares: East Asian, 0.0045%; 1 homozygote.

Submission:

Labcorp Genetics (formerly Invitae), Labcorp
Classification: Uncertain significance for Spondyloenchondrodysplasia with immune dysregulation. Last evaluated: 2022-08-16. Review status: criteria provided, single submitter. Criteria: Invitae Variant Classification Sherloc (09022015). Collection method: clinical testing. Allele origin: germline.
Comment: This sequence change replaces arginine, which is basic and polar, with histidine, which is basic and polar, at codon 280 of the ACP5 protein (p.Arg280His). This variant is present in population databases (rs771458690, gnomAD 0.006%). This variant has not been reported in the literature in individuals affected with ACP5-related conditions. ClinVar contains an entry for this variant (Variation ID: 1025415). Algorithms developed to predict the effect of missense changes on protein structure and function are either unavailable or do not agree on the potential impact of this missense change (SIFT: "Not Available"; PolyPhen-2: "Possibly Damaging"; Align-GVGD: "Not Available"). In summary, the available evidence is currently insufficient to determine the role of this variant in disease. Therefore, it has been classified as a Variant of Uncertain Significance.